The following is an entry in ClinVar:

NM_000498.3(CYP11B2):c.*744G>A

Genes: CYP11B2 (cytochrome P450 family 11 subfamily B member 2; minus strand), LOC106799834 (CYP11B2 recombination region; plus strand). Cytogenetic location: 8q24.3.
Variant type: single nucleotide variant.
Coding change: c.*744G>A on transcript NM_000498.3 (MANE Select); 744 bases downstream of the stop codon, G replaced by A.
Molecular consequence: 3 prime UTR variant.
Genome position (GRCh38, 1-based): chr8:142,911,236, C>T on the plus strand (G>A on the coding strand, the complement: CYP11B2 is on the minus strand). VCF-style: chr8-142911236-C-T. GRCh37 (hg19) VCF-style: chr8-143992652-C-T.
Identifiers: ClinVar variation 362178 (VCV000362178.6), dbSNP rs28390200, ClinGen allele CA10627308.

ClinVar aggregate classification (germline): Benign. Review status: criteria provided, multiple submitters, no conflicts (2 of 4 stars). 4 submissions from 2 submitters: Benign (4). Last evaluated 2018-01-13.

Conditions:
Corticosterone 18-monooxygenase deficiency. Also called: ALDOSTERONE DEFICIENCY DUE TO DEFECT IN STEROID 18-HYDROXYLASE; ALDOSTERONE DEFICIENCY I; CMO I DEFICIENCY; STEROID 18-HYDROXYLASE DEFICIENCY; 18 Hydroxylase deficiency; Aldosterone deficiency due to defect in 18 hydroxylase. Identifiers: Orphanet 427, MedGen C0268293, MONDO:0008751, OMIM 203400. Disease mechanism: loss of function.
Corticosterone methyloxidase type 2 deficiency. Also called: 18-OXIDASE DEFICIENCY; ALDOSTERONE DEFICIENCY DUE TO DEFICIENCY OF STEROID 18-OXIDASE; ALDOSTERONE DEFICIENCY II; CMO II DEFICIENCY; STEROID 18-OXIDASE DEFICIENCY. Identifiers: Orphanet 427, MedGen C3463917, MONDO:0012524, OMIM 610600. Disease mechanism: loss of function.
Glucocorticoid-remediable aldosteronism. Also called: Hyperaldosteronism, familial, type I; ACTH-DEPENDENT HYPERALDOSTERONISM SYNDROME; ALDOSTERONISM, SENSITIVE TO DEXAMETHASONE; FH I; GLUCOCORTICOID-SUPPRESSIBLE HYPERALDOSTERONISM. Identifiers: Orphanet 403, MedGen C3838731, MONDO:0007080, OMIM 103900.

Allele frequency attached by ClinVar (database versions not stated): gnomAD exomes 0.07547; 1000 Genomes Project 0.09385; 1000 Genomes Project 30x 0.10056; gnomAD 0.10737 and 0.10952; TOPMed 0.10821.
gnomAD v4.1: 16,270 of 152,206 alleles (11%); highest among the groups gnomAD compares: Middle Eastern, 18%; 1,050 homozygotes.

Submissions (4):

Illumina Laboratory Services, Illumina
Classification: Benign for Corticosterone methyloxidase type 2 deficiency. Last evaluated: 2018-01-13. Review status: criteria provided, single submitter. Criteria: ICSL Variant Classification Criteria 13 December 2019. Collection method: clinical testing. Allele origin: germline.
Comment: This variant was observed in the ICSL laboratory as part of a predisposition screen in an ostensibly healthy population. It had not been previously curated by ICSL or reported in the Human Gene Mutation Database (HGMD: prior to June 1st, 2018), and was therefore a candidate for classification through an automated scoring system. Utilizing variant allele frequency, disease prevalence and penetrance estimates, and inheritance mode, an automated score was calculated to assess if this variant is too frequent to cause the disease. Based on the score and internal cut-off values, a variant classified as benign is not then subjected to further curation. The score for this variant resulted in a classification of benign for this disease.

Illumina Laboratory Services, Illumina
Classification: Benign for Corticosterone 18-monooxygenase deficiency. Last evaluated: 2018-01-13. Review status: criteria provided, single submitter. Criteria: ICSL Variant Classification Criteria 13 December 2019. Collection method: clinical testing. Allele origin: germline.
Comment: the same text as in the submission from Illumina Laboratory Services, Illumina above.

Illumina Laboratory Services, Illumina
Classification: Benign for Hyperaldosteronism, familial, type I. Last evaluated: 2018-01-13. Review status: criteria provided, single submitter. Criteria: ICSL Variant Classification Criteria 13 December 2019. Collection method: clinical testing. Allele origin: germline.
Comment: the same text as in the submission from Illumina Laboratory Services, Illumina above.

Breakthrough Genomics
Classification: Benign. Review status: criteria provided, single submitter. Criteria: ACMG Guidelines, 2015. Collection method: not provided. Allele origin: germline. Inheritance: Autosomal recessive inheritance. Affected: yes.